The following is an entry in ClinVar:

ClinVar aggregate classification (germline): Uncertain significance (1 of 4 stars; one submission).

Conditions:
Hyperekplexia 3 (HKPX3). Also called: HYPEREKPLEXIA 3, AUTOSOMAL RECESSIVE; HYPEREKPLEXIA 3, AUTOSOMAL DOMINANT. Identifiers: Orphanet 3197, MedGen C3553288, MONDO:0013827, OMIM 614618.

gnomAD v4.1: 3 of 1,603,048 alleles (0.00019%); highest among the groups gnomAD compares: Non-Finnish European, 0.00026%; no homozygotes.

Submission:

Labcorp Genetics (formerly Invitae), Labcorp
Classification: Uncertain significance for Hyperekplexia 3. Last evaluated: 2024-01-15. Review status: criteria provided, single submitter. Criteria: Invitae Variant Classification Sherloc (09022015). Collection method: clinical testing. Allele origin: germline.
Comment: This sequence change replaces arginine, which is basic and polar, with glycine, which is neutral and non-polar, at codon 86 of the SLC6A5 protein (p.Arg86Gly). This variant is not present in population databases (gnomAD no frequency). This variant has not been reported in the literature in individuals affected with SLC6A5-related conditions. ClinVar contains an entry for this variant (Variation ID: 1716597). Advanced modeling of protein sequence and biophysical properties (such as structural, functional, and spatial information, amino acid conservation, physicochemical variation, residue mobility, and thermodynamic stability) performed at Invitae indicates that this missense variant is not expected to disrupt SLC6A5 protein function with a negative predictive value of 95%. In summary, the available evidence is currently insufficient to determine the role of this variant in disease. Therefore, it has been classified as a Variant of Uncertain Significance.

NM_004211.5(SLC6A5):c.256C>G (p.Arg86Gly)

Gene: SLC6A5 (solute carrier family 6 member 5; plus strand). Cytogenetic location: 11p15.1.
Variant type: single nucleotide variant.
Coding change: c.256C>G on transcript NM_004211.5 (MANE Select); coding-DNA position 256, C replaced by G.
Protein change: p.Arg86Gly; replaces arginine 86 with glycine.
Molecular consequence: missense variant. On other transcripts: 5 prime UTR variant (1).
Genome position (GRCh38, 1-based): chr11:20,601,381, C>G. VCF-style: chr11-20601381-C-G. GRCh37 (hg19) VCF-style: chr11-20622927-C-G.
Other names: c.-308C>G (NM_001318369.2); short protein forms R86G.
Identifiers: ClinVar variation 1716597 (VCV001716597.5), dbSNP rs2494093209, ClinGen allele CA379911701.